The following is an entry in ClinVar:

ClinVar aggregate classification (germline): Uncertain significance. Review status: criteria provided, multiple submitters, no conflicts (2 of 4 stars). 2 submissions from 2 submitters: Uncertain significance (2). Last evaluated 2024-01-09.

Conditions:
Hereditary cancer-predisposing syndrome. Also called: Neoplastic Syndromes, Hereditary; Tumor predisposition; Hereditary neoplastic syndrome; Hereditary Cancer Syndrome. Identifiers: Orphanet 140162, MedGen C0027672, MeSH D009386, MONDO:0015356.

Submissions (2):

Ambry Genetics
Classification: Uncertain significance for Hereditary cancer-predisposing syndrome. Last evaluated: 2024-01-09. Review status: criteria provided, single submitter. Criteria: Ambry Variant Classification Scheme 2023. Collection method: clinical testing. Allele origin: germline.
Comment: The c.63_65dupAAG variant (also known as p.R21dup), located in coding exon 2 of the XRCC2 gene, results from an in-frame duplication of AAG at nucleotide positions 63 to 65. This results in the duplication of an extra arginine residue between codons 21 and 22. This amino acid position is highly conserved in available vertebrate species. In addition, the in silico prediction for this alteration is inconclusive (Choi Y et al. PLoS ONE. 2012; 7(10):e46688). Since supporting evidence is limited at this time, the clinical significance of this alteration remains unclear.

Labcorp Genetics (formerly Invitae), Labcorp
Classification: Uncertain significance. Last evaluated: 2023-12-13. Review status: criteria provided, single submitter. Criteria: Invitae Variant Classification Sherloc (09022015). Collection method: clinical testing. Allele origin: germline.
Comment: This variant, c.63_65dup, results in the insertion of 1 amino acid(s) of the XRCC2 protein (p.Arg21dup), but otherwise preserves the integrity of the reading frame. This variant is present in population databases (rs756266778, gnomAD 0.006%). This variant has not been reported in the literature in individuals affected with XRCC2-related conditions. In summary, the available evidence is currently insufficient to determine the role of this variant in disease. Therefore, it has been classified as a Variant of Uncertain Significance.

NM_005431.2(XRCC2):c.63_65dup (p.Arg21_Ser22insArg)

Gene: XRCC2 (X-ray repair cross complementing 2; minus strand). Cytogenetic location: 7q36.1.
Variant type: Duplication.
Coding change: c.63_65dup on transcript NM_005431.2 (MANE Select); coding-DNA positions 63 to 65, 3 bases duplicated (AAG; older notation c.63_65dupAAG).
Protein change: p.Arg21_Ser22insArg.
Molecular consequence: inframe insertion.
Genome position (GRCh38, 1-based): chr7:152,660,757-152,660,759, CTT duplicated on the plus strand (AAG on the coding strand, the reverse complement: XRCC2 is on the minus strand); duplicating any 3 consecutive bases within chr7:152,660,757-152,660,761 gives the same sequence; the c. name uses the placement nearest the transcript's 3' end. VCF-style (leftmost placement, unchanged base first): chr7-152660756-A-ACTT. GRCh37 (hg19) VCF-style: chr7-152357841-A-ACTT.
Other names: c.63_65dupAAG (NM_005431.1).
Identifiers: ClinVar variation 2726828 (VCV002726828.4), dbSNP rs756266778, ClinGen allele CA4582409.